The following is an entry in ClinVar:

ClinVar aggregate classification (germline): Pathogenic (1 of 4 stars; one submission).

Conditions:
X-linked central congenital hypothyroidism with late-onset testicular enlargement. Also called: Hypothyroidism, central, and testicular enlargement; HYPOTHYROIDISM, CENTRAL, WITH TESTICULAR ENLARGEMENT. Identifiers: Orphanet 329235, MedGen C3550963, MONDO:0010475, OMIM 300888.

Allele frequency attached by ClinVar (database versions not stated): gnomAD exomes below 0.00001 and 0.00001.
gnomAD v4.1: 3 of 1,211,243 alleles (0.00025%); highest among the groups gnomAD compares: Non-Finnish European, 0.00022%; no homozygotes.

Submission:

Rady Children's Institute for Genomic Medicine, Rady Children's Hospital San Diego
Classification: Pathogenic for HYPOTHYROIDISM, CENTRAL, AND TESTICULAR ENLARGEMENT. Last evaluated: 2020-07-07. Review status: criteria provided, single submitter. Criteria: ACMG Guidelines, 2015. Collection method: clinical testing. Allele origin: germline. Affected: yes.
Comment: This nonsense variant found in exon 19 of 20 is predicted to result in loss of normal protein function through either protein truncation or nonsense-mediated mRNA decay (NMD). This variant has been previously reported as a hemizygous change in a patient with Central Hypothyroidism (PMID: 31448769). It is present in the heterozygous state in the gnomAD population database at a frequency of 0.0005% (1/182879) and thus is presumed to be rare. Parental samples were not available for inheritance studies. Based on the available evidence, the c.3805C>T (p.Arg1269Ter) variant is classified as Pathogenic.

NM_001555.5(IGSF1):c.3790C>T (p.Arg1264Ter)

Gene: IGSF1 (immunoglobulin superfamily member 1; minus strand). Cytogenetic location: Xq26.1.
Variant type: single nucleotide variant.
Coding change: c.3790C>T on transcript NM_001555.5 (MANE Select); coding-DNA position 3790, C replaced by T.
Protein change: p.Arg1264Ter; replaces arginine 1264 with a stop codon.
Molecular consequence: nonsense.
Genome position (GRCh38, 1-based): chrX:131,274,168, G>A on the plus strand (C>T on the coding strand, the complement: IGSF1 is on the minus strand). VCF-style: chrX-131274168-G-A. GRCh37 (hg19) VCF-style: chrX-130408142-G-A.
Other names: c.3805C>T, p.Arg1269Ter (NM_001170961.2); c.3763C>T, p.Arg1255Ter (NM_001170962.2); short protein forms R1255*, R1264*, R1269*.
Identifiers: ClinVar variation 1301901 (VCV001301901.1), dbSNP rs1309588455, ClinGen allele CA414556263.
Genomic context (GRCh38, chrX:131,274,168, plus strand): 5'-TCCACTCTATGGCTAGCACTACCCCCAAGGCTACAACAACCACCACGATTAGGCTACTTC[G>A]GACAATGTTCCCTACAGTGCACTCCTGAGCAACAGGCCCTGTGGTGATGAAAGAGGAGAA-3'